The following is an entry in ClinVar:

NM_020964.3(EPG5):c.5390C>G (p.Thr1797Ser)

Gene: EPG5 (ectopic P-granules 5 autophagy tethering factor; minus strand). Cytogenetic location: 18q12.3.
Variant type: single nucleotide variant.
Coding change: c.5390C>G on transcript NM_020964.3 (MANE Select); coding-DNA position 5390, C replaced by G.
Protein change: p.Thr1797Ser; replaces threonine 1797 with serine.
Molecular consequence: missense variant.
Genome position (GRCh38, 1-based): chr18:45,882,402, G>C on the plus strand (C>G on the coding strand, the complement: EPG5 is on the minus strand). VCF-style: chr18-45882402-G-C. GRCh37 (hg19) VCF-style: chr18-43462367-G-C.
Other names: short protein forms T1797S.
Identifiers: ClinVar variation 837363 (VCV000837363.9), dbSNP rs1411482327, ClinGen allele CA402344849.

ClinVar aggregate classification (germline): Uncertain significance (1 of 4 stars; one submission).

Conditions:
Vici syndrome (VICIS). Identifiers: Orphanet 1493, MedGen C1855772, MONDO:0009452, OMIM 242840.

gnomAD v4.1: 2 of 1,614,106 alleles (0.00012%); highest among the groups gnomAD compares: Admixed American, 0.0033%; no homozygotes.

Submission:

Labcorp Genetics (formerly Invitae), Labcorp
Classification: Uncertain significance for Vici syndrome. Last evaluated: 2019-11-18. Review status: criteria provided, single submitter. Criteria: Invitae Variant Classification Sherloc (09022015). Collection method: clinical testing. Allele origin: germline.
Comment: This sequence change replaces threonine with serine at codon 1797 of the EPG5 protein (p.Thr1797Ser). The threonine residue is moderately conserved and there is a small physicochemical difference between threonine and serine. In summary, the available evidence is currently insufficient to determine the role of this variant in disease. Therefore, it has been classified as a Variant of Uncertain Significance. Algorithms developed to predict the effect of sequence changes on RNA splicing suggest that this variant may create or strengthen a splice site, but this prediction has not been confirmed by published transcriptional studies. Algorithms developed to predict the effect of missense changes on protein structure and function are either unavailable or do not agree on the potential impact of this missense change (SIFT: "Tolerated"; PolyPhen-2: "Probably Damaging"; Align-GVGD: "Class C0"). This variant has not been reported in the literature in individuals with EPG5-related conditions. This variant is not present in population databases (ExAC no frequency).